The following is an entry in ClinVar:

ClinVar aggregate classification (germline): Uncertain significance (1 of 4 stars; one submission).

Conditions:
COL6A6-related disorder. Also called: COL6A6-related condition.

Allele frequency attached by ClinVar (database versions not stated): gnomAD exomes below 0.00001; TOPMed below 0.00001.

Submission:

PreventionGenetics, part of Exact Sciences
Classification: Uncertain significance for COL6A6-related condition. Last evaluated: 2022-10-06. Review status: criteria provided, single submitter. Criteria: ACMG Guidelines, 2015. Collection method: clinical testing. Allele origin: germline.
Comment: The COL6A6 c.3547+2dupT variant is predicted to result in an intronic duplication. To our knowledge, this variant has not been reported in the literature. This variant is reported in 0.0056% of alleles in individuals of East Asian descent in gnomAD. At this time, the clinical significance of this variant is uncertain due to the absence of conclusive functional and genetic evidence.

NM_001102608.3(COL6A6):c.3547+2dup

Gene: COL6A6 (collagen type VI alpha 6 chain; plus strand). Cytogenetic location: 3q22.1.
Variant type: Duplication.
Coding change: c.3547+2dup on transcript NM_001102608.3 (MANE Select); the canonical splice donor site of the intron after coding-DNA position 3547, one base duplicated (T; older notation c.3547+2dupT).
Molecular consequence: splice donor variant.
Genome position (GRCh38, 1-based): chr3:130,574,527, T duplicated. VCF-style (leftmost placement, unchanged base first): chr3-130574526-G-GT. GRCh37 (hg19) VCF-style: chr3-130293370-G-GT.
Identifiers: ClinVar variation 2636936 (VCV002636936.1), dbSNP rs1433221554, ClinGen allele CA546418873.